The following is an entry in ClinVar:

ClinVar aggregate classification (germline): Uncertain significance. Review status: criteria provided, multiple submitters, no conflicts (2 of 4 stars). 2 submissions from 2 submitters: Uncertain significance (2). Last evaluated 2024-10-11.

Conditions:
Familial adenomatous polyposis 1 (FAP1). Also called: POLYPOSIS, ADENOMATOUS INTESTINAL; FAMILIAL ADENOMATOUS POLYPOSIS 1, ATTENUATED. Identifiers: MedGen C2713442, MONDO:0021056, OMIM 175100. Disease mechanism: loss of function.
Hereditary cancer-predisposing syndrome. Also called: Neoplastic Syndromes, Hereditary; Hereditary Cancer Syndrome; Hereditary neoplastic syndrome; Tumor predisposition. Identifiers: Orphanet 140162, MedGen C0027672, MeSH D009386, MONDO:0015356.

Submissions (2):

Ambry Genetics
Classification: Uncertain significance for Hereditary cancer-predisposing syndrome. Last evaluated: 2024-10-11. Review status: criteria provided, single submitter. Criteria: Ambry Variant Classification Scheme 2023. Collection method: clinical testing. Allele origin: germline.
Comment: The p.V2112A variant (also known as c.6335T>C), located in coding exon 15 of the APC gene, results from a T to C substitution at nucleotide position 6335. The valine at codon 2112 is replaced by alanine, an amino acid with similar properties. This amino acid position is conserved. In addition, in silico predictors for this gene do not accurately predict pathogenicity. Based on the available evidence, the clinical significance of this variant remains unclear.

Labcorp Genetics (formerly Invitae), Labcorp
Classification: Uncertain significance for Familial adenomatous polyposis 1. Last evaluated: 2023-09-09. Review status: criteria provided, single submitter. Criteria: Invitae Variant Classification Sherloc (09022015). Collection method: clinical testing. Allele origin: germline.
Comment: This variant is not present in population databases (gnomAD no frequency). This sequence change replaces valine, which is neutral and non-polar, with alanine, which is neutral and non-polar, at codon 2112 of the APC protein (p.Val2112Ala). This variant has not been reported in the literature in individuals affected with APC-related conditions. Advanced modeling of protein sequence and biophysical properties (such as structural, functional, and spatial information, amino acid conservation, physicochemical variation, residue mobility, and thermodynamic stability) performed at Invitae indicates that this missense variant is not expected to disrupt APC protein function. In summary, the available evidence is currently insufficient to determine the role of this variant in disease. Therefore, it has been classified as a Variant of Uncertain Significance.

NM_000038.6(APC):c.6335T>C (p.Val2112Ala)

Gene: APC (APC regulator of Wnt signaling pathway; plus strand). Cytogenetic location: 5q22.2.
Variant type: single nucleotide variant.
Coding change: c.6335T>C on transcript NM_000038.6 (MANE Select); coding-DNA position 6335, T replaced by C.
Protein change: p.Val2112Ala; replaces valine 2112 with alanine.
Molecular consequence: missense variant. On other transcripts: non-coding transcript variant (2).
Genome position (GRCh38, 1-based): chr5:112,841,929, T>C. VCF-style: chr5-112841929-T-C. GRCh37 (hg19) VCF-style: chr5-112177626-T-C.
Other names: c.6335T>C (NM_000038.5); c.6335T>C, p.Val2112Ala (NM_001127510.3, NM_001354895.2, NM_001407450.1); c.6281T>C, p.Val2094Ala (NM_001127511.3); c.6389T>C, p.Val2130Ala (NM_001354896.2, NM_001407447.1, NM_001407448.1 and 1 more transcripts); c.6365T>C, p.Val2122Ala (NM_001354897.2); c.6260T>C, p.Val2087Ala (NM_001354898.2); c.6251T>C, p.Val2084Ala (NM_001354899.2); c.6212T>C, p.Val2071Ala (NM_001354900.2); and 12 more; short protein forms V2011A, V2094A, V2102A, V2122A, V2130A, V1952A, V2021A, V2084A.
Identifiers: ClinVar variation 2759365 (VCV002759365.4), dbSNP rs2533706910, ClinGen allele CA16035206.